The following is an entry in ClinVar:

NM_017637.6(BNC2):c.1802T>C (p.Ile601Thr)

Genes: BNC2 (basonuclin zinc finger protein 2; minus strand), LOC126860585 (MED14-independent group 3 enhancer GRCh37_chr9:16435259-16436458; plus strand). Cytogenetic location: 9p22.3.
Variant type: single nucleotide variant.
Coding change: c.1802T>C on transcript NM_017637.6 (MANE Select); coding-DNA position 1802, T replaced by C.
Protein change: p.Ile601Thr; replaces isoleucine 601 with threonine.
Molecular consequence: missense variant.
Genome position (GRCh38, 1-based): chr9:16,436,392, A>G on the plus strand (T>C on the coding strand, the complement: BNC2 is on the minus strand). VCF-style: chr9-16436392-A-G. GRCh37 (hg19) VCF-style: chr9-16436390-A-G.
Other names: c.1676T>C, p.Ile559Thr (NM_001317939.2); c.1517T>C, p.Ile506Thr (NM_001317940.2); short protein forms I506T, I559T, I601T.
Identifiers: ClinVar variation 2629468 (VCV002629468.2), dbSNP rs367562679, ClinGen allele CA4996015.

ClinVar aggregate classification (germline): Uncertain significance. Review status: criteria provided, multiple submitters, no conflicts (2 of 4 stars). 2 submissions from 2 submitters: Uncertain significance (2). Last evaluated 2025-11-25.

Conditions:
Inborn genetic diseases. Identifiers: MedGen C0950123, MeSH D030342.
BNC2-related disorder. Also called: BNC2-related condition.

Allele frequency attached by ClinVar (database versions not stated): ExAC 0.00002; TOPMed 0.00002; gnomAD exomes 0.00006; gnomAD 0.00005; ESP Exome Variant Server 0.00008.
gnomAD v4.1: 97 of 1,613,830 alleles (0.006%); highest among the groups gnomAD compares: Non-Finnish European, 0.0075%; no homozygotes.

Submissions (2):

Ambry Genetics
Classification: Uncertain significance for Inborn genetic diseases. Last evaluated: 2025-11-25. Review status: criteria provided, single submitter. Criteria: Ambry Variant Classification Scheme 2023. Collection method: clinical testing. Allele origin: germline.

PreventionGenetics, part of Exact Sciences
Classification: Uncertain significance for BNC2-related condition. Last evaluated: 2023-03-24. Review status: criteria provided, single submitter. Criteria: ACMG Guidelines, 2015. Collection method: clinical testing. Allele origin: germline.
Comment: The BNC2 c.1802T>C variant is predicted to result in the amino acid substitution p.Ile601Thr. To our knowledge, this variant has not been reported in the literature. This variant is reported in 0.0027% of alleles in individuals of European (Non-Finnish) descent in gnomAD. At this time, the clinical significance of this variant is uncertain due to the absence of conclusive functional and genetic evidence.